The following is an entry in ClinVar:

ClinVar aggregate classification (germline): Uncertain significance (1 of 4 stars; one submission).

Conditions:
Benign hereditary chorea (BHC). Also called: Benign Hereditary Chorea (BHC); HEREDITARY PROGRESSIVE CHOREA WITHOUT DEMENTIA. Identifiers: Orphanet 1429, MedGen C0393584, MONDO:0021011, OMIM 118700.

Submission:

Laboratory of Medical Genetics, National & Kapodistrian University of Athens
Classification: Uncertain significance for Benign hereditary chorea. Last evaluated: 2021-10-06. Review status: criteria provided, single submitter. Criteria: ACMG Guidelines, 2015. Collection method: clinical testing. Allele origin: unknown.
Comment: PM2, PP2

NM_001079668.3(NKX2-1):c.332C>T (p.Ser111Phe)

Genes: NKX2-1 (NK2 homeobox 1; minus strand), SFTA3 (surfactant associated 3; minus strand). Cytogenetic location: 14q13.3.
Variant type: single nucleotide variant.
Coding change: c.332C>T on transcript NM_001079668.3 (MANE Select); coding-DNA position 332, C replaced by T.
Protein change: p.Ser111Phe; replaces serine 111 with phenylalanine.
Molecular consequence: missense variant.
Genome position (GRCh38, 1-based): chr14:36,519,116, G>A on the plus strand (C>T on the coding strand, the complement: NKX2-1 is on the minus strand). VCF-style: chr14-36519116-G-A. GRCh37 (hg19) VCF-style: chr14-36988321-G-A.
Other names: c.242C>T, p.Ser81Phe (NM_003317.4); short protein forms S111F, S81F.
Identifiers: ClinVar variation 1299599 (VCV001299599.1), dbSNP rs2139411869, ClinGen allele CA389460774.
Genomic context (GRCh38, chr14:36,519,116, plus strand): 5'-TGGTACGGCGGCAGCTCGCTCATGTTGCCCAGGTTGCCGTTGCAGTAGCCCCCCACGGCG[G>A]AGTGCGAGAGCTGGGGCACCCCCGCCGCCGTCATGTGGTAGGCGGCGGTGACGGCGCCGT-3'
Protein context (NP_001073136.1, residues 101-121): TAAGVPQLSH[Ser111Phe]AVGGYCNGNL